The following is an entry in ClinVar:

NM_181703.4(GJA5):c.542C>T (p.Thr181Ile)

Gene: GJA5 (gap junction protein alpha 5; minus strand). Cytogenetic location: 1q21.2.
Variant type: single nucleotide variant.
Coding change: c.542C>T on transcript NM_181703.4 (MANE Select); coding-DNA position 542, C replaced by T.
Protein change: p.Thr181Ile; replaces threonine 181 with isoleucine.
Molecular consequence: missense variant.
Genome position (GRCh38, 1-based): chr1:147,758,697, G>A on the plus strand (C>T on the coding strand, the complement: GJA5 is on the minus strand). VCF-style: chr1-147758697-G-A. GRCh37 (hg19) VCF-style: chr1-147230805-G-A.
Other names: c.542C>T, p.Thr181Ile (NM_005266.7); short protein forms T181I.
Identifiers: ClinVar variation 1463774 (VCV001463774.8), dbSNP rs1553226954, ClinGen allele CA342395724.

ClinVar aggregate classification (germline): Uncertain significance (1 of 4 stars; one submission).

Conditions:
Atrial standstill 1 (ATRST1). Also called: Atrial standstill, digenic (GJA5/SCN5A); ATRIAL CARDIOMYOPATHY WITH HEART BLOCK; CARDIOMYOPATHY, FAMILIAL, WITH CONDUCTION DISTURBANCE. Identifiers: Orphanet 1344, MedGen C4551959, MONDO:0007171, OMIM 108770.
Atrial fibrillation, familial, 11 (ATFB11). Identifiers: MedGen C3279693, MONDO:0013544, OMIM 614049.

Allele frequency attached by ClinVar (database versions not stated): gnomAD exomes below 0.00001 and 0.00001.

Submission:

Labcorp Genetics (formerly Invitae), Labcorp
Classification: Uncertain significance for Atrial fibrillation, familial, 11; Atrial standstill 1. Last evaluated: 2022-05-01. Review status: criteria provided, single submitter. Criteria: Invitae Variant Classification Sherloc (09022015). Collection method: clinical testing. Allele origin: germline.
Comment: This variant has not been reported in the literature in individuals affected with GJA5-related conditions. This variant is present in population databases (no rsID available, gnomAD 0.003%). This sequence change replaces threonine, which is neutral and polar, with isoleucine, which is neutral and non-polar, at codon 181 of the GJA5 protein (p.Thr181Ile). Algorithms developed to predict the effect of missense changes on protein structure and function are either unavailable or do not agree on the potential impact of this missense change (SIFT: "Not Available"; PolyPhen-2: "Possibly Damaging"; Align-GVGD: "Not Available"). In summary, the available evidence is currently insufficient to determine the role of this variant in disease. Therefore, it has been classified as a Variant of Uncertain Significance.